The following is an entry in ClinVar:

ClinVar aggregate classification (germline): Conflicting classifications of pathogenicity. Review status: criteria provided, conflicting classifications (1 of 4 stars). 2 submissions from 2 submitters: Uncertain significance (1); Likely benign (1). Last evaluated 2026-02-17.

Conditions:
Inborn genetic diseases. Identifiers: MedGen C0950123, MeSH D030342.
PPARG-related disorder. Also called: PPARG-related disorders; PPARG-related condition.

Allele frequency attached by ClinVar (database versions not stated): ExAC 0.00001.
gnomAD v4.1: 11 of 1,613,888 alleles (0.00068%); highest among the groups gnomAD compares: Non-Finnish European, 0.00093%; no homozygotes.

Submissions (2):

PreventionGenetics, part of Exact Sciences
Classification: Likely benign for PPARG-related condition. Last evaluated: 2026-02-17. Review status: criteria provided, single submitter. Criteria: ACMG Guidelines, 2015. Collection method: clinical testing. Allele origin: germline.
Comment: This variant is classified as likely benign based on ACMG/AMP sequence variant interpretation guidelines (Richards et al. 2015 PMID: 25741868, with internal and published modifications).

Ambry Genetics
Classification: Uncertain significance for Inborn genetic diseases. Last evaluated: 2021-10-09. Review status: criteria provided, single submitter. Criteria: Ambry Variant Classification Scheme 2023. Collection method: clinical testing. Allele origin: germline.
Comment: The c.1271-6C>T intronic alteration consists of a C to T substitution 6 nucleotides before coding exon 7 in the PPARG gene. Based on insufficient or conflicting evidence, the clinical significance of this alteration remains unclear.

NM_138711.6(PPARG):c.1181-6C>T

Gene: PPARG (peroxisome proliferator activated receptor gamma; plus strand). Cytogenetic location: 3p25.2.
Variant type: single nucleotide variant.
Coding change: c.1181-6C>T on transcript NM_138711.6 (MANE Select); 6 bases into the intron before coding-DNA position 1181, C replaced by T.
Molecular consequence: intron variant.
Genome position (GRCh38, 1-based): chr3:12,433,892, C>T. VCF-style: chr3-12433892-C-T. GRCh37 (hg19) VCF-style: chr3-12475391-C-T.
Other names: c.1181-6C>T (NM_001354666.3, NM_138712.5, NM_005037.7 and 3 more transcripts); c.730-6C>T (NM_001374261.3, NM_001374262.3, NM_001330615.4); c.554-6C>T (NM_001354669.2); c.654-6C>T (NM_001374266.1); c.1271-6C>T (NM_015869.5); c.820-6C>T (NM_001374265.1).
Identifiers: ClinVar variation 2246025 (VCV002246025.3), dbSNP rs373794365, ClinGen allele CA2258343.